The following is an entry in ClinVar:

NM_058216.3(RAD51C):c.512A>C (p.Asp171Ala)

Gene: RAD51C (RAD51 paralog C; plus strand). Cytogenetic location: 17q22.
Variant type: single nucleotide variant.
Coding change: c.512A>C on transcript NM_058216.3 (MANE Select); coding-DNA position 512, A replaced by C.
Protein change: p.Asp171Ala; replaces aspartic acid 171 with alanine.
Molecular consequence: missense variant.
Genome position (GRCh38, 1-based): chr17:58,696,800, A>C. VCF-style: chr17-58696800-A-C. GRCh37 (hg19) VCF-style: chr17-56774161-A-C.
Other names: c.512A>C (LRG_314t1); short protein forms D171A.
Identifiers: ClinVar variation 419070 (VCV000419070.2), dbSNP rs1064793623, ClinGen allele CA16620497.
Genomic context (GRCh38, chr17:58,696,800, plus strand): 5'-TGGCAGGTGAAGCAGTTTTTATTGATACAGAGGGAAGTTTTATGGTTGATAGAGTGGTAG[A>C]CCTTGCTACTGCCTGCATTCAGCACCTTCAGCTTATAGCAGAAAAACACAAGGGAGAGGG-3'
Protein context (NP_478123.1, residues 161-181): EGSFMVDRVV[Asp171Ala]LATACIQHLQ

ClinVar aggregate classification (germline): Uncertain significance (1 of 4 stars; one submission).

Submission:

GeneDx
Classification: Uncertain significance. Last evaluated: 2015-05-18. Review status: criteria provided, single submitter. Criteria: GeneDx Variant Classification (06012015). Collection method: clinical testing. Allele origin: germline. Affected: yes.
Comment: This variant is denoted RAD51C c.512A>C at the cDNA level, p.Asp171Ala (D171A) at the protein level, and results in the change of an Aspartic Acid to an Alanine (GAC>GCC). This variant has not, to our knowledge, been published in the literature as pathogenic or benign. RAD51C Asp171Ala was not observed in approximately 6,500 individuals of European and African American ancestry in the NHLBI Exome Sequencing Project, indicating it is not a common benign variant in these populations. Since Aspartic Acid and Alanine differ in polarity, charge, size or other properties, this is considered a non-conservative amino acid substitution. RAD51C Asp171Ala occurs at a position that is not conserved and is located in the ATPase domain (Kim 2011). In silico analyses are inconsistent regarding the effect this variant may have on protein structure and function. Based on currently available information, it is unclear whether RAD51C Asp171Ala is pathogenic or benign. We consider it to be a variant of uncertain significance.